The following is an entry in ClinVar:

NM_006580.4(CLDN16):c.39_50del (p.Phe14_Ala17del)

Gene: CLDN16 (claudin 16; plus strand). Cytogenetic location: 3q28.
Variant type: Deletion.
Coding change: c.39_50del on transcript NM_006580.4 (MANE Select); coding-DNA positions 39 to 50, 12 bases deleted (CTTTTTCTCTGC).
Protein change: p.Phe14_Ala17del.
Molecular consequence: inframe deletion.
Genome position (GRCh38, 1-based): chr3:190,388,368-190,388,379, CTTTTTCTCTGC deleted; deleting any 12 consecutive bases within chr3:190,388,365-190,388,379 gives the same sequence; the c. name uses the placement nearest the transcript's 3' end. VCF-style (leftmost placement, unchanged base first): chr3-190388364-TTGCCTTTTTCTC-T. GRCh37 (hg19) VCF-style: chr3-190106153-TTGCCTTTTTCTC-T.
Other names: c.39_50del, p.Phe14_Ala17del (NM_001378492.1, NM_001378493.1).
Identifiers: ClinVar variation 2877133 (VCV002877133.1), dbSNP rs1560093930, ClinGen allele CA917094514.
Genomic context (GRCh38, chr3:190,388,364, plus strand): 5'-GCCATCCTGATGGGCTGCTTGCCACAATGAGGGATCTTCTTCAATACATCGCTTGCTTCT[TTGCCTTTTTCTC>T]TGCTGGGTTTTTGATTGTGGCCACCTGGACTGACTGTTGGATGGTGAATGCTGATGACTC-3'

ClinVar aggregate classification (germline): Uncertain significance (1 of 4 stars; one submission).

Submission:

Labcorp Genetics (formerly Invitae), Labcorp
Classification: Uncertain significance. Last evaluated: 2023-01-20. Review status: criteria provided, single submitter. Criteria: Invitae Variant Classification Sherloc (09022015). Collection method: clinical testing. Allele origin: germline.
Comment: In summary, the available evidence is currently insufficient to determine the role of this variant in disease. Therefore, it has been classified as a Variant of Uncertain Significance. Experimental studies and prediction algorithms are not available or were not evaluated, and the functional significance of this variant is currently unknown. This variant has not been reported in the literature in individuals affected with CLDN16-related conditions. This variant is not present in population databases (gnomAD no frequency). This variant, c.249_260del, results in the deletion of 4 amino acid(s) of the CLDN16 protein (p.Phe84_Ala87del), but otherwise preserves the integrity of the reading frame.